The following is an entry in ClinVar:

ClinVar aggregate classification (germline): Uncertain significance (1 of 4 stars; one submission).

Conditions:
Hereditary cancer-predisposing syndrome. Also called: Tumor predisposition; Neoplastic Syndromes, Hereditary; Hereditary neoplastic syndrome; Hereditary Cancer Syndrome. Identifiers: Orphanet 140162, MedGen C0027672, MeSH D009386, MONDO:0015356.

Submission:

Ambry Genetics
Classification: Uncertain significance for Hereditary cancer-predisposing syndrome. Last evaluated: 2024-07-11. Review status: criteria provided, single submitter. Criteria: Ambry Variant Classification Scheme 2023. Collection method: clinical testing. Allele origin: germline.
Comment: The p.M139T variant (also known as c.416T>C), located in coding exon 4 of the TSC1 gene, results from a T to C substitution at nucleotide position 416. The methionine at codon 139 is replaced by threonine, an amino acid with similar properties. This amino acid position is conserved. In addition, this alteration is predicted to be deleterious by in silico analysis. Based on the available evidence, the clinical significance of this variant remains unclear.

NM_000368.5(TSC1):c.416T>C (p.Met139Thr)

Gene: TSC1 (TSC complex subunit 1; minus strand). Cytogenetic location: 9q34.13.
Variant type: single nucleotide variant.
Coding change: c.416T>C on transcript NM_000368.5 (MANE Select); coding-DNA position 416, T replaced by C.
Protein change: p.Met139Thr; replaces methionine 139 with threonine.
Molecular consequence: missense variant. On other transcripts: 5 prime UTR variant (5), non-coding transcript variant (5).
Genome position (GRCh38, 1-based): chr9:132,923,440, A>G on the plus strand (T>C on the coding strand, the complement: TSC1 is on the minus strand). VCF-style: chr9-132923440-A-G. GRCh37 (hg19) VCF-style: chr9-135798827-A-G.
Other names: c.416T>C, p.Met139Thr (NM_001162426.2, NM_001406592.1, NM_001406593.1 and 16 more transcripts); c.263T>C, p.Met88Thr (NM_001162427.2, NM_001406610.1, NM_001406611.1 and 2 more transcripts); c.53T>C, p.Met18Thr (NM_001362177.2, NM_001406614.1, NM_001406615.1 and 10 more transcripts); c.-462T>C (NM_001406626.1, NM_001406627.1, NM_001406628.1); c.-604T>C (NM_001406629.1); c.-678T>C (NM_001406630.1); short protein forms M139T, M88T, M18T.
Identifiers: ClinVar variation 3462450 (VCV003462450.1).